The following is an entry in ClinVar:

ClinVar aggregate classification (germline): Uncertain significance (1 of 4 stars; one submission).

Conditions:
Hereditary cancer-predisposing syndrome. Also called: Neoplastic Syndromes, Hereditary; Hereditary Cancer Syndrome; Tumor predisposition; Hereditary neoplastic syndrome. Identifiers: Orphanet 140162, MedGen C0027672, MeSH D009386, MONDO:0015356.

Submission:

Ambry Genetics
Classification: Uncertain significance for Hereditary cancer-predisposing syndrome. Last evaluated: 2025-02-27. Review status: criteria provided, single submitter. Criteria: Ambry Variant Classification Scheme 2023. Collection method: clinical testing. Allele origin: germline.
Comment: The c.1383+5G>T intronic variant results from a G to T substitution 5 nucleotides after coding exon 10 in the POLD1 gene. This nucleotide position is not conserved on limited sequence alignment. In silico splice site analysis predicts that this alteration will not have any significant effect on splicing. Based on the available evidence, the clinical significance of this variant remains unclear.

NM_002691.4(POLD1):c.1383+5G>T

Gene: POLD1 (DNA polymerase delta 1, catalytic subunit; plus strand). Cytogenetic location: 19q13.33.
Variant type: single nucleotide variant.
Coding change: c.1383+5G>T on transcript NM_002691.4 (MANE Select); 5 bases into the intron after coding-DNA position 1383, G replaced by T.
Molecular consequence: intron variant.
Genome position (GRCh38, 1-based): chr19:50,406,327, G>T. VCF-style: chr19-50406327-G-T. GRCh37 (hg19) VCF-style: chr19-50909584-G-T.
Other names: c.1383+5G>T (NM_001256849.1, NM_001308632.1).
Identifiers: ClinVar variation 3781402 (VCV003781402.1).
Genomic context (GRCh38, chr19:50,406,327, plus strand): 5'-GGCGGGACACCAAGGTTGTCAGCATGGTGGGCCGCGTGCAGATGGACATGCTGCAGGTAT[G>T]GGCGGGAGGTGGGGTGTGTCCCTGTCCTTGGAAGGCCACTGCCCAGGCCCGCAGCCCACC-3'